The following is an entry in ClinVar:

ClinVar aggregate classification (germline): Uncertain significance (1 of 4 stars; one submission).

Conditions:
Hypoinsulinemic hypoglycemia and body hemihypertrophy. Also called: Hypoinsulinemic hypoglycemia and hemihypertrophy. Identifiers: Orphanet 293964, MedGen C3278384, MONDO:0009416, OMIM 240900.
Type 2 diabetes mellitus. Also called: Type II diabetes mellitus. Identifiers: MedGen C0011860, MeSH D003924, MONDO:0005148, OMIM 125853, HP:0005978.

gnomAD v4.1: 1 of 1,613,918 alleles (0.000062%); highest among the groups gnomAD compares: Non-Finnish European, 0.000085%; no homozygotes.

Submission:

Labcorp Genetics (formerly Invitae), Labcorp
Classification: Uncertain significance for Hypoinsulinemic hypoglycemia and body hemihypertrophy; Type 2 diabetes mellitus. Last evaluated: 2024-08-22. Review status: criteria provided, single submitter. Criteria: Invitae Variant Classification Sherloc (09022015). Collection method: clinical testing. Allele origin: germline.
Comment: This sequence change replaces asparagine, which is neutral and polar, with histidine, which is basic and polar, at codon 413 of the AKT2 protein (p.Asn413His). This variant is not present in population databases (gnomAD no frequency). This variant has not been reported in the literature in individuals affected with AKT2-related conditions. An algorithm developed to predict the effect of missense changes on protein structure and function (PolyPhen-2) suggests that this variant is likely to be tolerated. In summary, the available evidence is currently insufficient to determine the role of this variant in disease. Therefore, it has been classified as a Variant of Uncertain Significance.

NM_001626.6(AKT2):c.1237A>C (p.Asn413His)

Gene: AKT2 (AKT serine/threonine kinase 2; minus strand). Cytogenetic location: 19q13.2.
Variant type: single nucleotide variant.
Coding change: c.1237A>C on transcript NM_001626.6 (MANE Select); coding-DNA position 1237, A replaced by C.
Protein change: p.Asn413His; replaces asparagine 413 with histidine.
Molecular consequence: missense variant.
Genome position (GRCh38, 1-based): chr19:40,235,289, T>G on the plus strand (A>C on the coding strand, the complement: AKT2 is on the minus strand). VCF-style: chr19-40235289-T-G. GRCh37 (hg19) VCF-style: chr19-40741196-T-G.
Other names: c.1051A>C, p.Asn351His (NM_001243027.3, NM_001243028.3); c.1108A>C, p.Asn370His (NM_001330511.1); short protein forms N351H, N370H, N413H.
Identifiers: ClinVar variation 3749587 (VCV003749587.2).